The following is an entry in ClinVar:

NM_001754.5(RUNX1):c.-59-10C>T

Gene: RUNX1 (RUNX family transcription factor 1; minus strand). Cytogenetic location: 21q22.12.
Variant type: single nucleotide variant.
Coding change: c.-59-10C>T on transcript NM_001754.5 (MANE Select); 10 bases into the intron before 59 bases upstream of the start codon, C replaced by T.
Molecular consequence: intron variant.
Genome position (GRCh38, 1-based): chr21:35,048,968, G>A on the plus strand (C>T on the coding strand, the complement: RUNX1 is on the minus strand). VCF-style: chr21-35048968-G-A. GRCh37 (hg19) VCF-style: chr21-36421265-G-A.
Identifiers: ClinVar variation 339879 (VCV000339879.9), dbSNP rs578080277, ClinGen allele CA10644644.
Genomic context (GRCh38, chr21:35,048,968, plus strand): 5'-CCTGAAAATGCACCCTCTTCTGAAGGCGGGGGACTCAATGATTTCTTTTACCTTCGGAGC[G>A]AAAACCAAGACAGGTCACTGTTTCAGCCTCACCCCTCTAGCCCTACATCTCTCTTTCTTC-3'

ClinVar aggregate classification (germline): Benign. Review status: reviewed by expert panel (3 of 4 stars). 5 submissions from 5 submitters: Benign (1). 4 of the submissions do not count toward it. Last evaluated 2024-08-28.

Conditions:
Hereditary thrombocytopenia and hematologic cancer predisposition syndrome. Identifiers: Orphanet 71290, MedGen CN281654, MONDO:0011071.
Hereditary cancer-predisposing syndrome. Also called: Hereditary Cancer Syndrome; Tumor predisposition; Neoplastic Syndromes, Hereditary; Hereditary neoplastic syndrome. Identifiers: Orphanet 140162, MedGen C0027672, MeSH D009386, MONDO:0015356.
Acute myeloid leukemia (AML). Also called: Leukemia, acute myeloid, somatic; Leukemia, acute myelogenous, somatic; Acute myeloid leukemia, adult; AML adult; Acute non-lymphocytic leukemia; Acute granulocytic leukemia. Identifiers: Orphanet 519, MedGen C0023467, MeSH D015470, MONDO:0018874, OMIM 601626, HP:0004808. Disease mechanism: Constitutively activated FLT3.
Hereditary thrombocytopenia and hematological cancer predisposition syndrome associated with RUNX1. Also called: Familial thrombocytopenia with propensity to acute myelogenous leukemia; Familial Platelet Disorder with Propensity to Acute Myelogenous Leukemia; PLATELET DISORDER, ASPIRIN-LIKE; RUNX1 Familial Platelet Disorder with Associated Myeloid Malignancies. Identifiers: Orphanet 71290, MedGen C1832388, MeSH C563324, MONDO:0100083, OMIM 601399.

Allele frequency attached by ClinVar (database versions not stated): 1000 Genomes Project 30x 0.00016; gnomAD 0.00018 and 0.00023; 1000 Genomes Project 0.00020; TOPMed 0.00026; gnomAD exomes 0.00033.
gnomAD v4.1: 456 of 1,368,422 alleles (0.033%); highest among the groups gnomAD compares: Middle Eastern, 0.45%; 1 homozygote.

Submissions (5):

ClinGen Myeloid Malignancy Variant Curation Expert Panel
Classification: Benign for Hereditary thrombocytopenia and hematologic cancer predisposition syndrome. Last evaluated: 2024-08-28. Review status: reviewed by expert panel. Criteria: ClinGen MyeloMalig ACMG Specifications v2. Collection method: curation. Allele origin: germline. Inheritance: Autosomal dominant inheritance.
Comment: NM_001754.5(RUNX1):c.-59-10C>T is an intronic variant with a MAF of 0.00149 (0.149%, 7/4830,) in the South Asian subpopulation of gnomAD 3.1.2 cohort is ≥ 0.0015 (0.15%)(BA1).This synonymous/intronic variant has a SpliceAI score ≥ 0.20 (0.05) (BP4). Evolutionary conservation prediction algorithms predict the site as not being conserved (PhyloP score 0.40 < 2.0) (BP7). In summary, this variant meets the criteria to be classified as benign. ACMG/AMP criteria applied, as specified by the Myeloid Malignancy Variant Curation Expert Panel for RUNX1: BA1, BP4, BP7.

Fulgent Genetics
Classification: Uncertain significance for Hereditary thrombocytopenia and hematological cancer predisposition syndrome associated with RUNX1; Acute myeloid leukemia. Last evaluated: 2022-01-11. Review status: criteria provided, single submitter. Criteria: ACMG Guidelines, 2015. Collection method: clinical testing. Allele origin: unknown. Not counted in ClinVar's aggregate classification.

Sema4
Classification: Uncertain significance for Hereditary cancer-predisposing syndrome. Last evaluated: 2021-10-19. Review status: criteria provided, single submitter. Criteria: Sema4 Curation Guidelines. Collection method: curation. Allele origin: germline. Not counted in ClinVar's aggregate classification.
Comment: The RUNX1 c.-59-10C>T variant has not been reported in the literature to our knowledge. This variant was observed in 2/8680 chromosomes in the African/African American population, according to the Genome Aggregation Database (PMID: 32461654). The variant has been reported in ClinVar (Variation ID 339879). The variant involves a not-conserved position in the first intron of RUNX1 gene, and in silico splicing tools predict the variant does not affect splicing, though these predictions have not been confirmed by functional studies. Based on the current evidence available, this variant is interpreted as a variant of uncertain significance.

Illumina Laboratory Services, Illumina
Classification: Uncertain significance for Hereditary thrombocytopenia and hematological cancer predisposition syndrome associated with RUNX1. Last evaluated: 2018-01-13. Review status: criteria provided, single submitter. Criteria: ICSL Variant Classification Criteria 13 December 2019. Collection method: clinical testing. Allele origin: germline. Not counted in ClinVar's aggregate classification.

Breakthrough Genomics
Classification: Uncertain significance. Review status: criteria provided, single submitter. Criteria: ACMG Guidelines, 2015. Collection method: not provided. Allele origin: germline. Inheritance: Autosomal dominant inheritance. Affected: yes. Not counted in ClinVar's aggregate classification.